The following is an entry in ClinVar:

ClinVar aggregate classification (germline): Uncertain significance (1 of 4 stars; one submission).

Conditions:
Dyskeratosis congenita, autosomal recessive 5 (DKCB5). Identifiers: MedGen C3554656, MONDO:0014076, OMIM 615190.
Pulmonary fibrosis and/or bone marrow failure, Telomere-related, 3. Also called: PULMONARY FIBROSIS AND/OR BONE MARROW FAILURE SYNDROME, TELOMERE-RELATED, 3. Identifiers: Orphanet 2032, MedGen C4225346, MONDO:0014613, OMIM 616373.

gnomAD v4.1: 5 of 1,609,008 alleles (0.00031%); highest among the groups gnomAD compares: South Asian, 0.0055%; no homozygotes.

Submission:

Labcorp Genetics (formerly Invitae), Labcorp
Classification: Uncertain significance for Dyskeratosis congenita, autosomal recessive 5; Pulmonary fibrosis and/or bone marrow failure, Telomere-related, 3. Last evaluated: 2022-12-05. Review status: criteria provided, single submitter. Criteria: Invitae Variant Classification Sherloc (09022015). Collection method: clinical testing. Allele origin: germline.
Comment: In summary, the available evidence is currently insufficient to determine the role of this variant in disease. Therefore, it has been classified as a Variant of Uncertain Significance. Algorithms developed to predict the effect of missense changes on protein structure and function are either unavailable or do not agree on the potential impact of this missense change (SIFT: "Deleterious"; PolyPhen-2: "Probably Damaging"; Align-GVGD: "Class C0"). This variant has not been reported in the literature in individuals affected with RTEL1-related conditions. The frequency data for this variant in the population databases is considered unreliable, as metrics indicate poor data quality at this position in the gnomAD database. This sequence change replaces arginine, which is basic and polar, with leucine, which is neutral and non-polar, at codon 624 of the RTEL1 protein (p.Arg624Leu).

NM_001283009.2(RTEL1):c.1871G>T (p.Arg624Leu)

Genes: RTEL1 (regulator of telomere elongation helicase 1; plus strand), RTEL1-TNFRSF6B (RTEL1-TNFRSF6B readthrough (NMD candidate); plus strand). Cytogenetic location: 20q13.33.
Variant type: single nucleotide variant.
Coding change: c.1871G>T on transcript NM_001283009.2 (MANE Select); coding-DNA position 1871, G replaced by T.
Protein change: p.Arg624Leu; replaces arginine 624 with leucine.
Molecular consequence: missense variant. On other transcripts: non-coding transcript variant (1).
Genome position (GRCh38, 1-based): chr20:63,689,125, G>T. VCF-style: chr20-63689125-G-T. GRCh37 (hg19) VCF-style: chr20-62320478-G-T.
Other names: c.1202G>T, p.Arg401Leu (NM_001283010.1); c.1871G>T, p.Arg624Leu (NM_016434.4); c.1943G>T, p.Arg648Leu (NM_032957.5); short protein forms R401L, R624L, R648L.
Identifiers: ClinVar variation 2117350 (VCV002117350.4), dbSNP rs753779060, ClinGen allele CA9965052.